The following is an entry in ClinVar:

NM_014249.4(NR2E3):c.157AGC[2] (p.Ser55del)

Gene: NR2E3 (nuclear receptor subfamily 2 group E member 3; plus strand). Cytogenetic location: 15q23.
Variant type: Microsatellite.
Coding change: c.157AGC[2] on transcript NM_014249.4 (MANE Select); two copies in a row of the 3-base unit AGC starting at c.157; the reference has three copies in a row; one copy, 3 bases deleted.
Protein change: p.Ser55del; deletes serine 55.
Molecular consequence: inframe deletion.
Genome position (GRCh38, 1-based): chr15:71,811,527-71,811,529, AGC deleted; deleting any 3 consecutive bases within chr15:71,811,520-71,811,529 gives the same sequence; the position shown is the placement nearest the transcript's 3' end. VCF-style (leftmost placement, unchanged base first): chr15-71811519-ACAG-A. GRCh37 (hg19) VCF-style: chr15-72103859-ACAG-A.
Other names: c.157AGC[2], p.Ser55del (NM_016346.4); short protein forms S55del.
Identifiers: ClinVar variation 4281610 (VCV004281610.1).
Genomic context (GRCh38, chr15:71,811,519, plus strand): 5'-CCAGCCCTGCCCCCTGCCCCTCAGGCGTGAGCCCCTCGCTCCAGTGCCGCGTGTGCGGAG[ACAG>A]CAGCAGCGGGAAGCACTATGGCATCTATGCCTGCAACGGCTGCAGCGGCTTCTTCAAGAG-3'

ClinVar aggregate classification (germline): Uncertain significance (1 of 4 stars; one submission).

Conditions:
Retinal disorder. Also called: Retinopathy; Retinopathies; Retinal Diseases; Retinal disorders. Identifiers: MedGen C0035309, MONDO:0005283, HP:0000488.

Submission:

Genetics Laboratory, Great Ormond Street Hospital NHS Foundation Trust, North Thames Genomic Laboratory Hub
Classification: Uncertain significance for Retinal disorders. Last evaluated: 2025-08-21. Review status: criteria provided, single submitter. Criteria: ACGS Best Practice Guidelines for Variant Classification in Rare Disease 2024 v1.2. Collection method: clinical testing. Allele origin: germline. Affected: yes.
Comment: PM2_moderate, PM4_supporting, PM3_moderate